The following is an entry in ClinVar:

ClinVar aggregate classification (germline): Likely benign. Review status: criteria provided, single submitter (1 of 4 stars). 2 submissions from 2 submitters: Likely benign (1). 1 of the submissions does not count toward it. Last evaluated 2024-06-20.

Conditions:
SPTBN4-related disorder. Also called: SPTBN4-related condition.

Allele frequency attached by ClinVar (database versions not stated): gnomAD exomes 0.00004; ExAC 0.00012; 1000 Genomes Project 30x 0.00016; 1000 Genomes Project 0.00020; gnomAD 0.00040; TOPMed 0.00044; ESP Exome Variant Server 0.00077.
gnomAD v4.1: 123 of 1,612,674 alleles (0.0076%); highest among the groups gnomAD compares: African/African-American, 0.1%; no homozygotes.

Submissions (2):

Blueprint Genetics
Classification: Likely benign. Last evaluated: 2024-06-20. Review status: criteria provided, single submitter. Criteria: ACMG Guidelines, 2015. Collection method: clinical testing. Allele origin: germline.

PreventionGenetics, part of Exact Sciences
Classification: Likely benign for SPTBN4-related condition. Last evaluated: 2019-06-11. Review status: no assertion criteria provided. Collection method: clinical testing. Allele origin: germline. Not counted in ClinVar's aggregate classification.
Comment: This variant is classified as likely benign based on ACMG/AMP sequence variant interpretation guidelines (Richards et al. 2015 PMID: 25741868, with internal and published modifications).

NM_020971.3(SPTBN4):c.5598G>A (p.Pro1866=)

Gene: SPTBN4 (spectrin beta, non-erythrocytic 4; plus strand). Cytogenetic location: 19q13.2.
Variant type: single nucleotide variant.
Coding change: c.5598G>A on transcript NM_020971.3 (MANE Select); coding-DNA position 5598, G replaced by A.
Protein change: p.Pro1866=; no amino-acid change (proline 1866 retained).
Molecular consequence: synonymous variant.
Genome position (GRCh38, 1-based): chr19:40,557,331, G>A. VCF-style: chr19-40557331-G-A. GRCh37 (hg19) VCF-style: chr19-41063237-G-A.
Other names: c.1626G>A, p.Pro542= (NM_025213.3).
Identifiers: ClinVar variation 3033127 (VCV003033127.3), dbSNP rs141434534, ClinGen allele CA9446545.
Genomic context (GRCh38, chr19:40,557,331, plus strand): 5'-TCAGGGACAGATTGAGGAGAAGCGGAGGCGGCTGCCCCGCCTGACCACCCCGCCTGAGCC[G>A]AGACCCAGTGCCAGTTCCATGCAGCGGACCCTGAGAGCCTTTGAGCATGACCTGCAGCTC-3'
Protein context (NP_066022.2, residues 1856-1876): RLPRLTTPPE[Pro1866=]RPSASSMQRT